The following is an entry in ClinVar:

ClinVar aggregate classification (germline): Uncertain significance (1 of 4 stars; one submission).

Submission:

GeneDx
Classification: Uncertain significance. Last evaluated: 2026-03-21. Review status: criteria provided, single submitter. Criteria: GeneDx Variant Classification Process June 2021. Collection method: clinical testing. Allele origin: germline.
Comment: Not observed at significant frequency in large population cohorts (gnomAD); In silico analysis supports that this missense variant has a deleterious effect on protein structure/function; Has not been previously published as pathogenic or benign to our knowledge

NM_000238.4(KCNH2):c.998T>G (p.Ile333Ser)

Gene: KCNH2 (potassium voltage-gated channel subfamily H member 2; minus strand). Cytogenetic location: 7q36.1.
Variant type: single nucleotide variant.
Coding change: c.998T>G on transcript NM_000238.4 (MANE Select); coding-DNA position 998, T replaced by G.
Protein change: p.Ile333Ser; replaces isoleucine 333 with serine.
Molecular consequence: missense variant. On other transcripts: non-coding transcript variant (1).
Genome position (GRCh38, 1-based): chr7:150,957,421, A>C on the plus strand (T>G on the coding strand, the complement: KCNH2 is on the minus strand). VCF-style: chr7-150957421-A-C. GRCh37 (hg19) VCF-style: chr7-150654509-A-C.
Other names: c.710T>G, p.Ile237Ser (NM_001406753.1, NM_001406756.1); c.821T>G, p.Ile274Ser (NM_001406755.1); c.698T>G, p.Ile233Ser (NM_001406757.1); c.998T>G, p.Ile333Ser (NM_172056.3); short protein forms I233S, I237S, I274S, I333S.
Identifiers: ClinVar variation 5017022 (VCV005017022.1).